The following is an entry in ClinVar:

NM_001375765.1(GIGYF1):c.263G>C (p.Arg88Thr)

Gene: GIGYF1 (GRB10 interacting GYF protein 1; minus strand). Cytogenetic location: 7q22.1.
Variant type: single nucleotide variant.
Coding change: c.263G>C on transcript NM_001375765.1 (MANE Select); coding-DNA position 263, G replaced by C.
Protein change: p.Arg88Thr; replaces arginine 88 with threonine.
Molecular consequence: missense variant. On other transcripts: non-coding transcript variant (1).
Genome position (GRCh38, 1-based): chr7:100,687,615, C>G on the plus strand (G>C on the coding strand, the complement: GIGYF1 is on the minus strand). VCF-style: chr7-100687615-C-G. GRCh37 (hg19) VCF-style: chr7-100285238-C-G.
Other names: c.263G>C, p.Arg88Thr (NM_001375759.1, NM_001375760.1, NM_001375761.1 and 6 more transcripts); short protein forms R88T.
Identifiers: ClinVar variation 4822920 (VCV004822920.4).

ClinVar aggregate classification (germline): Uncertain significance (1 of 4 stars; one submission).

Submission:

CeGaT Center for Human Genetics Tuebingen
Classification: Uncertain significance. Last evaluated: 2026-01-01. Review status: criteria provided, single submitter. Criteria: CeGaT Center For Human Genetics Tuebingen Variant Classification Criteria Version 2. Collection method: clinical testing. Allele origin: germline. Affected: yes. Observed: 1 variant allele.
Comment: GIGYF1: PM2